The following is an entry in ClinVar:

ClinVar aggregate classification (germline): Uncertain significance (1 of 4 stars; one submission).

Conditions:
Developmental and epileptic encephalopathy, 30 (DEE30). Also called: Epileptic encephalopathy, early infantile, 30. Identifiers: MedGen C4225360, MONDO:0014595, OMIM 616341.

Submission:

Labcorp Genetics (formerly Invitae), Labcorp
Classification: Uncertain significance for Developmental and epileptic encephalopathy, 30. Last evaluated: 2021-10-29. Review status: criteria provided, single submitter. Criteria: Invitae Variant Classification Sherloc (09022015). Collection method: clinical testing. Allele origin: germline.
Comment: In summary, the available evidence is currently insufficient to determine the role of this variant in disease. Therefore, it has been classified as a Variant of Uncertain Significance. Advanced modeling of protein sequence and biophysical properties (such as structural, functional, and spatial information, amino acid conservation, physicochemical variation, residue mobility, and thermodynamic stability) performed at Invitae indicates that this missense variant is not expected to disrupt SIK1 protein function. This variant has not been reported in the literature in individuals affected with SIK1-related conditions. This variant is not present in population databases (gnomAD no frequency). This sequence change replaces proline, which is neutral and non-polar, with serine, which is neutral and polar, at codon 11 of the SIK1 protein (p.Pro11Ser).

NM_173354.5(SIK1):c.31C>T (p.Pro11Ser)

Gene: SIK1 (salt inducible kinase 1; minus strand). Cytogenetic location: 21q22.3.
Variant type: single nucleotide variant.
Coding change: c.31C>T on transcript NM_173354.5 (MANE Select); coding-DNA position 31, C replaced by T.
Protein change: p.Pro11Ser; replaces proline 11 with serine.
Molecular consequence: missense variant.
Genome position (GRCh38, 1-based): chr21:43,426,148, G>A on the plus strand (C>T on the coding strand, the complement: SIK1 is on the minus strand). VCF-style: chr21-43426148-G-A. GRCh37 (hg19) VCF-style: chr21-44846028-G-A.
Other names: short protein forms P11S.
Identifiers: ClinVar variation 1402040 (VCV001402040.6), dbSNP rs2146476567, ClinGen allele CA410611157.